The following is an entry in ClinVar:

NM_000179.3(MSH6):c.755C>T (p.Ser252Leu)

Gene: MSH6 (mutS homolog 6; plus strand). Cytogenetic location: 2p16.3.
Variant type: single nucleotide variant.
Coding change: c.755C>T on transcript NM_000179.3 (MANE Select); coding-DNA position 755, C replaced by T.
Protein change: p.Ser252Leu; replaces serine 252 with leucine.
Molecular consequence: missense variant. On other transcripts: 5 prime UTR variant (9), non-coding transcript variant (4), intron variant (1).
Genome position (GRCh38, 1-based): chr2:47,798,738, C>T. VCF-style: chr2-47798738-C-T. GRCh37 (hg19) VCF-style: chr2-48025877-C-T.
Other names: c.365C>T, p.Ser122Leu (NM_001281492.2); c.-152C>T (NM_001281493.2, NM_001281494.2, NM_001406811.1 and 6 more transcripts); c.851C>T, p.Ser284Leu (NM_001406795.1, NM_001406802.1); c.755C>T, p.Ser252Leu (NM_001406796.1, NM_001406798.1, NM_001406800.1 and 4 more transcripts); c.458C>T, p.Ser153Leu (NM_001406797.1, NM_001406801.1, NM_001406805.1 and 10 more transcripts); c.230C>T, p.Ser77Leu (NM_001406799.1, NM_001406806.1, NM_001406807.1); c.677C>T, p.Ser226Leu (NM_001406804.1); c.761C>T, p.Ser254Leu (NM_001406813.1); and 2 more; short protein forms S122L, S252L, S254L, S153L, S226L, S284L, S196L, S77L.
Identifiers: ClinVar variation 2447295 (VCV002447295.2), dbSNP rs267608048, ClinGen allele CA346740139.

ClinVar aggregate classification (germline): Uncertain significance (1 of 4 stars; one submission).

Conditions:
Hereditary cancer-predisposing syndrome. Also called: Neoplastic Syndromes, Hereditary; Hereditary Cancer Syndrome; Tumor predisposition; Hereditary neoplastic syndrome. Identifiers: Orphanet 140162, MedGen C0027672, MeSH D009386, MONDO:0015356.

Submission:

Ambry Genetics
Classification: Uncertain significance for Hereditary cancer-predisposing syndrome. Last evaluated: 2022-11-04. Review status: criteria provided, single submitter. Criteria: Ambry Variant Classification Scheme 2023. Collection method: clinical testing. Allele origin: germline.
Comment: The p.S252L variant (also known as c.755C>T), located in coding exon 4 of the MSH6 gene, results from a C to T substitution at nucleotide position 755. The serine at codon 252 is replaced by leucine, an amino acid with dissimilar properties. This amino acid position is not well conserved in available vertebrate species. In addition, this alteration is predicted to be tolerated by in silico analysis. Since supporting evidence is limited at this time, the clinical significance of this alteration remains unclear.